The following is an entry in ClinVar:

ClinVar aggregate classification (germline): Likely pathogenic (1 of 4 stars; one submission).

Conditions:
COL1A1-related disorder. Also called: COL1A1-related condition; COL1A1- related disease.

Submission:

PreventionGenetics, part of Exact Sciences
Classification: Likely pathogenic for COL1A1-related condition. Last evaluated: 2026-06-03. Review status: criteria provided, single submitter. Criteria: ACMG Guidelines, 2015. Collection method: clinical testing. Allele origin: germline.
Comment: The COL1A1 c.2158_2180delinsC variant is predicted to result in a frameshift and premature protein termination (p.Ser720Argfs*39). To our knowledge, this variant has not been reported in the literature or in a large population database (gnomAD), indicating this variant is rare. Frameshift variants in COL1A1 are expected to be pathogenic. This variant is interpreted as likely pathogenic.

NM_000088.4(COL1A1):c.2158_2180delinsC (p.Ser720fs)

Gene: COL1A1 (collagen type I alpha 1 chain; minus strand). Cytogenetic location: 17q21.33.
Variant type: Indel.
Coding change: c.2158_2180delinsC on transcript NM_000088.4 (MANE Select); coding-DNA positions 2158 to 2180, AGCCAGGGCGCCCCTGGCCTTCA replaced by C.
Protein change: p.Ser720fs; shifts the reading frame from serine 720.
Molecular consequence: frameshift variant.
Genome position (GRCh38, 1-based): chr17:50,191,438-50,191,460, TGAAGGCCAGGGGCGCCCTGGCT replaced by G on the plus strand (AGCCAGGGCGCCCCTGGCCTTCA replaced by C on the coding strand, the reverse complement: COL1A1 is on the minus strand). VCF-style: chr17-50191438-TGAAGGCCAGGGGCGCCCTGGCT-G. GRCh37 (hg19) VCF-style: chr17-48268799-TGAAGGCCAGGGGCGCCCTGGCT-G.
Other names: c.2158_2180del23insC, p.Ser720Argfs (NM_000088.3); short protein forms S720fs.
Identifiers: ClinVar variation 4994720 (VCV004994720.1).
Genomic context (GRCh38, chr17:50,191,438, plus strand): 5'-CTTACTCTGTCACCCTTAGGCCCTGGAAGACCAGCTGCACCACGTTCACCAGGCATTCCC[TGAAGGCCAGGGGCGCCCTGGCT>G]ACCGGGAGCTCCAGGGGCACCAGCATCACCCTATGTGACAACCAAGAAGACTGGAGTGAG-3'